The following is an entry in ClinVar:

ClinVar aggregate classification (germline): Uncertain significance (1 of 4 stars; one submission).

Conditions:
Familial cancer of breast. Also called: BREAST CANCER, FAMILIAL; hereditary breast carcinoma; Hereditary breast cancer. Identifiers: Orphanet 227535, MedGen C0346153, MONDO:0016419, OMIM 114480. Disease mechanism: loss of function.

Submission:

Labcorp Genetics (formerly Invitae), Labcorp
Classification: Uncertain significance for Familial cancer of breast. Last evaluated: 2024-03-01. Review status: criteria provided, single submitter. Criteria: Invitae Variant Classification Sherloc (09022015). Collection method: clinical testing. Allele origin: germline.
Comment: This sequence change replaces glycine, which is neutral and non-polar, with valine, which is neutral and non-polar, at codon 167 of the CHEK2 protein (p.Gly167Val). This variant is not present in population databases (gnomAD no frequency). This variant has not been reported in the literature in individuals affected with CHEK2-related conditions. An algorithm developed to predict the effect of missense changes on protein structure and function (PolyPhen-2) suggests that this variant is likely to be disruptive. This variant disrupts the p.Gly167 amino acid residue in CHEK2. Other variant(s) that disrupt this residue have been determined to be pathogenic (PMID: 12533788, 15095295, 22419737, 25452411, 25503501, 26976419, 27616075, 30322717, 30980208, 31300551; Invitae). This suggests that this residue is clinically significant, and that variants that disrupt this residue are likely to be disease-causing. In summary, the available evidence is currently insufficient to determine the role of this variant in disease. Therefore, it has been classified as a Variant of Uncertain Significance.

Literature cited by the submitters: PubMed 12533788; PubMed 15095295; PubMed 22419737; PubMed 25452411; PubMed 25503501; PubMed 26976419; PubMed 27616075; PubMed 30322717; PubMed 30980208; PubMed 31300551.

NM_007194.4(CHEK2):c.500G>T (p.Gly167Val)

Gene: CHEK2 (checkpoint kinase 2; minus strand). Cytogenetic location: 22q12.1.
Variant type: single nucleotide variant.
Coding change: c.500G>T on transcript NM_007194.4 (MANE Select); coding-DNA position 500, G replaced by T.
Protein change: p.Gly167Val; replaces glycine 167 with valine.
Molecular consequence: missense variant. On other transcripts: 5 prime UTR variant (2), intron variant (1).
Genome position (GRCh38, 1-based): chr22:28,725,069, C>A on the plus strand (G>T on the coding strand, the complement: CHEK2 is on the minus strand). VCF-style: chr22-28725069-C-A. GRCh37 (hg19) VCF-style: chr22-29121057-C-A.
Other names: c.629G>T, p.Gly210Val (NM_001005735.3, NM_001438294.1); c.-278G>T (NM_001257387.3); c.-164G>T (NM_001437942.1); c.593G>T, p.Gly198Val (NM_001438293.1, NM_001438295.1); c.500G>T, p.Gly167Val (NM_145862.3); c.445-146G>T (NM_001349956.3); short protein forms G167V, G210V, G198V.
Identifiers: ClinVar variation 2814200 (VCV002814200.3), dbSNP rs144850845, ClinGen allele CA411107457.
Genomic context (GRCh38, chr22:28,725,069, plus strand): 5'-GAATTGTTATTCAAAGGACGGCGTTTTCCTTTCCCTACAAGCTCTGTATTTACAAAGGTT[C>A]CATTGCCACTGTGATCTTCTATGTATGCAATGTAAGAGTTTTTAGGACCCACTTCCTAAA-3'
Protein context (NP_009125.1, residues 157-177): IAYIEDHSGN[Gly167Val]TFVNTELVGK